The following is an entry in ClinVar:

ClinVar aggregate classification (germline): Benign/Likely benign. Review status: criteria provided, multiple submitters, no conflicts (2 of 4 stars). 15 submissions from 13 submitters: Benign (6); Likely benign (4). 5 of the submissions do not count toward it. Last evaluated 2026-09-01.

Conditions:
Arterial calcification, generalized, of infancy, 2. Identifiers: Orphanet 51608, MedGen C3276161, MONDO:0013768, OMIM 614473.
Autosomal recessive inherited pseudoxanthoma elasticum (PXE). Identifiers: Orphanet 758, MedGen CN032334, MONDO:0009925, OMIM 264800.
Pseudoxanthoma elasticum, forme fruste. Also called: Pseudoxanthoma Elasticum, Incomplete; PSEUDOXANTHOMA ELASTICUM, HETEROZYGOUS. Identifiers: Orphanet 758, MedGen C1867450, MONDO:0008333, OMIM 177850.

Allele frequency attached by ClinVar (database versions not stated): 1000 Genomes Project 30x 0.01046; 1000 Genomes Project 0.01078; ESP Exome Variant Server 0.01168; TOPMed 0.01193; gnomAD exomes 0.01630; gnomAD 0.01730; ExAC 0.02204.
gnomAD v4.1: 27,447 of 1,572,782 alleles (1.7%); highest among the groups gnomAD compares: South Asian, 2.2%; 306 homozygotes.

Submissions (15):

CeGaT Center for Human Genetics Tuebingen
Classification: Benign. Last evaluated: 2026-09-01. Review status: criteria provided, single submitter. Criteria: CeGaT Center For Human Genetics Tuebingen Variant Classification Criteria Version 2. Collection method: clinical testing. Allele origin: germline. Affected: yes. Observed: 82 variant alleles.
Comment: ABCC6: BP4, BS1, BS2

Labcorp Genetics (formerly Invitae), Labcorp
Classification: Benign. Last evaluated: 2026-02-04. Review status: criteria provided, single submitter. Criteria: Invitae Variant Classification Sherloc (09022015). Collection method: clinical testing. Allele origin: germline.

Mayo Clinic Laboratories, Mayo Clinic
Classification: Benign. Last evaluated: 2025-09-22. Review status: criteria provided, single submitter. Criteria: ACMG Guidelines, 2015. Collection method: clinical testing. Allele origin: germline. Observed: 4 variant alleles.
Comment: BS1, BS2, BP4_moderate

Blueprint Genetics
Classification: Likely benign. Last evaluated: 2024-11-27. Review status: criteria provided, single submitter. Criteria: ACMG Guidelines, 2015. Collection method: clinical testing. Allele origin: germline.

Fulgent Genetics
Classification: Benign for Pseudoxanthoma elasticum, forme fruste; Autosomal recessive inherited pseudoxanthoma elasticum; Arterial calcification, generalized, of infancy, 2. Last evaluated: 2022-04-01. Review status: criteria provided, single submitter. Criteria: ACMG Guidelines, 2015. Collection method: clinical testing. Allele origin: unknown.

Genome-Nilou Lab
Classification: Benign for Arterial calcification, generalized, of infancy, 2. Last evaluated: 2021-12-05. Review status: criteria provided, single submitter. Criteria: ACMG Guidelines, 2015. Collection method: clinical testing. Allele origin: germline. Affected: no.

Genome-Nilou Lab
Classification: Benign for Autosomal recessive inherited pseudoxanthoma elasticum. Last evaluated: 2021-12-05. Review status: criteria provided, single submitter. Criteria: ACMG Guidelines, 2015. Collection method: clinical testing. Allele origin: germline. Affected: no.

Genome-Nilou Lab
Classification: Likely benign for Pseudoxanthoma elasticum, forme fruste. Last evaluated: 2021-12-05. Review status: criteria provided, single submitter. Criteria: ACMG Guidelines, 2015. Collection method: clinical testing. Allele origin: germline. Affected: no.

GeneDx
Classification: Likely benign. Last evaluated: 2017-03-29. Review status: criteria provided, single submitter. Criteria: GeneDx Variant Classification (06012015). Collection method: clinical testing. Allele origin: germline. Affected: yes.
Comment: This variant is considered likely benign or benign based on one or more of the following criteria: it is a conservative change, it occurs at a poorly conserved position in the protein, it is predicted to be benign by multiple in silico algorithms, and/or has population frequency not consistent with disease.

Breakthrough Genomics
Classification: Likely benign. Review status: criteria provided, single submitter. Criteria: ACMG Guidelines, 2015. Collection method: not provided. Allele origin: germline. Inheritance: Autosomal recessive inheritance. Affected: yes.

PXE International
Classification: Benign for Autosomal recessive inherited pseudoxanthoma elasticum. Last evaluated: 2021-03-01. Review status: no assertion criteria provided. Collection method: research. Allele origin: germline. Inheritance: Autosomal recessive inheritance. Affected: yes. Observed: 12 variant alleles. Clinical features observed: Papule (HP:0200034), Skin plaque (HP:0200035), Retinal hemorrhage (HP:0000573), Gastrointestinal hemorrhage (HP:0002239), Intermittent claudication (HP:0004417), Abnormally lax or hyperextensible skin (HP:0008067), Angioid streaks (HP:0001102), Angina pectoris (HP:0001681), Abnormal EKG (HP:0003115), Vascular surgery, Myocardial infarction (HP:0001658), Weak or absent arterial pulse. Not counted in ClinVar's aggregate classification.

Clinical Genetics, Academic Medical Center
Classification: Benign. Review status: no assertion criteria provided. Collection method: clinical testing. Allele origin: germline. Affected: yes. Study: VKGL Data-share Consensus. Not counted in ClinVar's aggregate classification.

Diagnostic Laboratory, Department of Genetics, University Medical Center Groningen
Classification: Benign. Review status: no assertion criteria provided. Collection method: clinical testing. Allele origin: germline. Affected: yes. Study: VKGL Data-share Consensus. Not counted in ClinVar's aggregate classification.

Genome Diagnostics Laboratory, University Medical Center Utrecht
Classification: Likely benign. Review status: no assertion criteria provided. Collection method: clinical testing. Allele origin: germline. Affected: yes. Study: VKGL Data-share Consensus. Not counted in ClinVar's aggregate classification.

Laboratory of Diagnostic Genome Analysis, Leiden University Medical Center (LUMC)
Classification: Likely benign. Review status: no assertion criteria provided. Collection method: clinical testing. Allele origin: germline. Affected: yes. Study: VKGL Data-share Consensus. Not counted in ClinVar's aggregate classification.

Literature cited by the submitters: PubMed 32873932 (cited by PXE International); PubMed 16086317 (cited by PXE International).

NM_001171.6(ABCC6):c.2836C>A (p.Leu946Ile)

Gene: ABCC6 (ATP binding cassette subfamily C member 6; minus strand). Cytogenetic location: 16p13.11.
Variant type: single nucleotide variant.
Coding change: c.2836C>A on transcript NM_001171.6 (MANE Select); coding-DNA position 2836, C replaced by A.
Protein change: p.Leu946Ile; replaces leucine 946 with isoleucine.
Molecular consequence: missense variant. On other transcripts: non-coding transcript variant (1).
Genome position (GRCh38, 1-based): chr16:16,169,805, G>T on the plus strand (C>A on the coding strand, the complement: ABCC6 is on the minus strand). VCF-style: chr16-16169805-G-T. GRCh37 (hg19) VCF-style: chr16-16263662-G-T.
Other names: p.Leu946Ile; c.2494C>A, p.Leu832Ile (NM_001351800.1); short protein forms L946I, L832I.
Identifiers: ClinVar variation 433293 (VCV000433293.52), dbSNP rs61340537, ClinGen allele CA7925770.